The following is an entry in ClinVar:

NM_052961.4(SLC26A8):c.2200G>A (p.Val734Met)

Gene: SLC26A8 (solute carrier family 26 member 8; minus strand). Cytogenetic location: 6p21.31.
Variant type: single nucleotide variant.
Coding change: c.2200G>A on transcript NM_052961.4 (MANE Select); coding-DNA position 2200, G replaced by A.
Protein change: p.Val734Met; replaces valine 734 with methionine.
Molecular consequence: missense variant.
Genome position (GRCh38, 1-based): chr6:35,955,184, C>T on the plus strand (G>A on the coding strand, the complement: SLC26A8 is on the minus strand). VCF-style: chr6-35955184-C-T. GRCh37 (hg19) VCF-style: chr6-35922961-C-T.
Other names: c.2200G>A, p.Val734Met (NM_001193476.2); c.1885G>A, p.Val629Met (NM_138718.3); short protein forms V629M, V734M.
Identifiers: ClinVar variation 3044807 (VCV003044807.3), dbSNP rs138344479, ClinGen allele CA3775324.

ClinVar aggregate classification (germline): Likely benign. Review status: criteria provided, single submitter (1 of 4 stars). 2 submissions from 2 submitters: Likely benign (1). 1 of the submissions does not count toward it. Last evaluated 2024-09-23.

Conditions:
SLC26A8-related disorder. Also called: SLC26A8-related condition.

Allele frequency attached by ClinVar (database versions not stated): ESP Exome Variant Server 0.00461; 1000 Genomes Project 0.00539; 1000 Genomes Project 30x 0.00625.
gnomAD v4.1: 1,319 of 1,614,132 alleles (0.082%); highest among the groups gnomAD compares: African/African-American, 1.3%; 4 homozygotes.

Submissions (2):

Blueprint Genetics
Classification: Likely benign. Last evaluated: 2024-09-23. Review status: criteria provided, single submitter. Criteria: ACMG Guidelines, 2015. Collection method: clinical testing. Allele origin: germline.

PreventionGenetics, part of Exact Sciences
Classification: Likely benign for SLC26A8-related condition. Last evaluated: 2019-03-27. Review status: no assertion criteria provided. Collection method: clinical testing. Allele origin: germline. Not counted in ClinVar's aggregate classification.
Comment: This variant is classified as likely benign based on ACMG/AMP sequence variant interpretation guidelines (Richards et al. 2015 PMID: 25741868, with internal and published modifications).